The following is an entry in ClinVar:

ClinVar aggregate classification (germline): Likely pathogenic (1 of 4 stars; one submission).

Conditions:
Tuberous sclerosis 1 (TSC1). Identifiers: Orphanet 805, MedGen C1854465, MONDO:0008612, OMIM 191100.

Submission:

Labcorp Genetics (formerly Invitae), Labcorp
Classification: Likely pathogenic for Tuberous sclerosis 1. Last evaluated: 2023-04-08. Review status: criteria provided, single submitter. Criteria: Invitae Variant Classification Sherloc (09022015). Collection method: clinical testing. Allele origin: germline.
Comment: In summary, the currently available evidence indicates that the variant is pathogenic, but additional data are needed to prove that conclusively. Therefore, this variant has been classified as Likely Pathogenic. Algorithms developed to predict the effect of sequence changes on RNA splicing suggest that this variant may disrupt the consensus splice site. This variant has not been reported in the literature in individuals affected with TSC1-related conditions. This variant is not present in population databases (gnomAD no frequency). This variant results in the deletion of part of exon 11 (c.1138_1141+1del) of the TSC1 gene. It is expected to disrupt RNA splicing. Variants that disrupt the donor or acceptor splice site typically lead to a loss of protein function (PMID: 16199547), and loss-of-function variants in TSC1 are known to be pathogenic (PMID: 10227394, 17304050).

Literature cited by the submitters: PubMed 16199547; PubMed 10227394; PubMed 17304050.

NM_000368.5(TSC1):c.1138_1141+1del

Gene: TSC1 (TSC complex subunit 1; minus strand). Cytogenetic location: 9q34.13.
Variant type: Deletion.
Coding change: c.1138_1141+1del on transcript NM_000368.5 (MANE Select); coding-DNA position 1138 through the canonical splice donor site of the intron after coding-DNA position 1141, 5 bases deleted (ACTGG; older notation c.1138_1141+1delACTGG).
Molecular consequence: splice donor variant.
Genome position (GRCh38, 1-based): chr9:132,911,001-132,911,005, CCAGT deleted on the plus strand (ACTGG on the coding strand, the reverse complement: TSC1 is on the minus strand). VCF-style (leftmost placement, unchanged base first): chr9-132911000-ACCAGT-A. GRCh37 (hg19) VCF-style: chr9-135786387-ACCAGT-A.
Other names: c.775_778+1del (NM_001406620.1, NM_001406618.1, NM_001406625.1 and 10 more transcripts); c.985_988+1del (NM_001406613.1, NM_001406612.1, NM_001406610.1 and 2 more transcripts); c.187_190+1del (NM_001406627.1, NM_001406628.1, NM_001406626.1); c.88_91+1del (NM_001406629.1, NM_001406630.1); c.1138_1141+1del (NM_001406603.1, NM_001406609.1, NM_001406597.1 and 16 more transcripts).
Identifiers: ClinVar variation 2853532 (VCV002853532.3), dbSNP rs2538846534, ClinGen allele CA2739264815.